The following is an entry in ClinVar:

NM_000493.4(COL10A1):c.1928A>C (p.Asp643Ala)

Genes: COL10A1 (collagen type X alpha 1 chain; minus strand), NT5DC1 (5'-nucleotidase domain containing 1; plus strand). Cytogenetic location: 6q22.1.
Variant type: single nucleotide variant.
Coding change: c.1928A>C on transcript NM_000493.4 (MANE Select); coding-DNA position 1928, A replaced by C.
Protein change: p.Asp643Ala; replaces aspartic acid 643 with alanine.
Molecular consequence: missense variant. On other transcripts: intron variant (1).
Genome position (GRCh38, 1-based): chr6:116,120,188, T>G on the plus strand (A>C on the coding strand, the complement: COL10A1 is on the minus strand). VCF-style: chr6-116120188-T-G. GRCh37 (hg19) VCF-style: chr6-116441351-T-G.
Other names: c.1928A>C, p.Asp643Ala (NM_001424106.1, NM_001424107.1); c.529+2243T>G (NM_152729.3); short protein forms D643A.
Identifiers: ClinVar variation 3691515 (VCV003691515.2).

ClinVar aggregate classification (germline): Uncertain significance (1 of 4 stars; one submission).

gnomAD v4.1: 7 of 1,614,138 alleles (0.00043%); highest among the groups gnomAD compares: Non-Finnish European, 0.00059%; no homozygotes.

Submission:

Labcorp Genetics (formerly Invitae), Labcorp
Classification: Uncertain significance. Last evaluated: 2024-02-12. Review status: criteria provided, single submitter. Criteria: Invitae Variant Classification Sherloc (09022015). Collection method: clinical testing. Allele origin: germline.
Comment: This sequence change replaces aspartic acid, which is acidic and polar, with alanine, which is neutral and non-polar, at codon 643 of the COL10A1 protein (p.Asp643Ala). This variant is present in population databases (rs750526125, gnomAD 0.004%). This variant has not been reported in the literature in individuals affected with COL10A1-related conditions. Advanced modeling of protein sequence and biophysical properties (such as structural, functional, and spatial information, amino acid conservation, physicochemical variation, residue mobility, and thermodynamic stability) performed at Invitae indicates that this missense variant is not expected to disrupt COL10A1 protein function with a negative predictive value of 80%. In summary, the available evidence is currently insufficient to determine the role of this variant in disease. Therefore, it has been classified as a Variant of Uncertain Significance.